The following is an entry in ClinVar:

NM_006225.4(PLCD1):c.770G>A (p.Arg257His)

Gene: PLCD1 (phospholipase C delta 1; minus strand). Cytogenetic location: 3p22.2.
Variant type: single nucleotide variant.
Coding change: c.770G>A on transcript NM_006225.4 (MANE Select); coding-DNA position 770, G replaced by A.
Protein change: p.Arg257His; replaces arginine 257 with histidine.
Molecular consequence: missense variant. On other transcripts: non-coding transcript variant (1).
Genome position (GRCh38, 1-based): chr3:38,011,234, C>T on the plus strand (G>A on the coding strand, the complement: PLCD1 is on the minus strand). VCF-style: chr3-38011234-C-T. GRCh37 (hg19) VCF-style: chr3-38052725-C-T.
Other names: c.833G>A, p.Arg278His (NM_001130964.2); short protein forms R257H, R278H.
Identifiers: ClinVar variation 1237863 (VCV001237863.5), dbSNP rs933135, ClinGen allele CA2313283.

ClinVar aggregate classification (germline): Benign. Review status: criteria provided, multiple submitters, no conflicts (2 of 4 stars). 3 submissions from 3 submitters: Benign (3). Last evaluated 2024-11-25.

Allele frequency attached by ClinVar (database versions not stated): ESP Exome Variant Server 0.01292; gnomAD 0.02060 and 0.02567; TOPMed 0.02646; gnomAD exomes 0.02926 and 0.04857; ExAC 0.04952; 1000 Genomes Project 30x 0.05918; 1000 Genomes Project 0.06310.
gnomAD v4.1: 46,777 of 1,609,866 alleles (2.9%); highest among the groups gnomAD compares: East Asian, 23%; 2,223 homozygotes.

Submissions (3):

Blueprint Genetics
Classification: Benign. Last evaluated: 2024-11-25. Review status: criteria provided, single submitter. Criteria: ACMG Guidelines, 2015. Collection method: clinical testing. Allele origin: germline.

GeneDx
Classification: Benign. Last evaluated: 2021-06-10. Review status: criteria provided, single submitter. Criteria: GeneDx Variant Classification Process June 2021. Collection method: clinical testing. Allele origin: germline. Affected: yes.
Comment: This variant is associated with the following publications: (PMID: 16741161)

Breakthrough Genomics
Classification: Benign. Review status: criteria provided, single submitter. Criteria: ACMG Guidelines, 2015. Collection method: not provided. Allele origin: germline. Inheritance: Autosomal dominant inheritance. Affected: yes.